The following is an entry in ClinVar:

ClinVar aggregate classification (germline): Conflicting classifications of pathogenicity. Review status: criteria provided, conflicting classifications (1 of 4 stars). 2 submissions from 2 submitters: Likely pathogenic (1); Uncertain significance (1). Last evaluated 2024-06-10.

Conditions:
PLEKHM2-related disorder. Also called: PLEKHM2-related condition.

Allele frequency attached by ClinVar (database versions not stated): gnomAD exomes 0.00001; TOPMed 0.00001.

Submissions (2):

Labcorp Genetics (formerly Invitae), Labcorp
Classification: Uncertain significance. Last evaluated: 2024-06-10. Review status: criteria provided, single submitter. Criteria: Invitae Variant Classification Sherloc (09022015). Collection method: clinical testing. Allele origin: germline.
Comment: This sequence change replaces arginine, which is basic and polar, with tryptophan, which is neutral and slightly polar, at codon 639 of the PLEKHM2 protein (p.Arg639Trp). This variant is present in population databases (no rsID available, gnomAD 0.006%). This variant has not been reported in the literature in individuals affected with PLEKHM2-related conditions. ClinVar contains an entry for this variant (Variation ID: 1361610). An algorithm developed to predict the effect of missense changes on protein structure and function (PolyPhen-2) suggests that this variant is likely to be disruptive. In summary, the available evidence is currently insufficient to determine the role of this variant in disease. Therefore, it has been classified as a Variant of Uncertain Significance.

Blueprint Genetics
Classification: Likely pathogenic for PLEKHM2-related disorders. Last evaluated: 2023-07-27. Review status: criteria provided, single submitter. Criteria: ACMG Guidelines, 2015. Collection method: clinical testing. Allele origin: germline. Affected: yes. Observed: 2 variant alleles.

NM_015164.4(PLEKHM2):c.1915C>T (p.Arg639Trp)

Gene: PLEKHM2 (pleckstrin homology and RUN domain containing M2; plus strand). Cytogenetic location: 1p36.21.
Variant type: single nucleotide variant.
Coding change: c.1915C>T on transcript NM_015164.4 (MANE Select); coding-DNA position 1915, C replaced by T.
Protein change: p.Arg639Trp; replaces arginine 639 with tryptophan.
Molecular consequence: missense variant.
Genome position (GRCh38, 1-based): chr1:15,728,351, C>T. VCF-style: chr1-15728351-C-T. GRCh37 (hg19) VCF-style: chr1-16054846-C-T.
Other names: short protein forms R639W.
Identifiers: ClinVar variation 1361610 (VCV001361610.7), dbSNP rs1352162718, ClinGen allele CA338590296.